The following is an entry in ClinVar:

NM_001360016.2(G6PD):c.1132G>A (p.Gly378Ser)

Gene: G6PD (glucose-6-phosphate dehydrogenase; minus strand). Cytogenetic location: Xq28.
Variant type: single nucleotide variant.
Coding change: c.1132G>A on transcript NM_001360016.2 (MANE Select); coding-DNA position 1132, G replaced by A.
Protein change: p.Gly378Ser; replaces glycine 378 with serine.
Molecular consequence: missense variant.
Genome position (GRCh38, 1-based): chrX:154,532,722, C>T on the plus strand (G>A on the coding strand, the complement: G6PD is on the minus strand). VCF-style: chrX-154532722-C-T. GRCh37 (hg19) VCF-style: chrX-153760937-C-T.
Other names: G6PD Montpellier; c.1222G>A, p.Gly408Ser (NM_000402.4); c.1132G>A, p.Gly378Ser (NM_001042351.3); short protein forms G378S, G408S.
Identifiers: ClinVar variation 1722614 (VCV001722614.7), dbSNP rs371489738, ClinGen allele CA10566075.
Genomic context (GRCh38, chrX:154,532,722, plus strand): 5'-CGTTGGGCTGCACGCGGATCACCAGCTCGTTGCGCTTGCACTGCTGGTGGAAGATGTCGC[C>T]GGCCACATCATGGAACTGCAGCCTCACCTCGGCCTTGCGCTCGTTCAGGGCCTTGCCGCA-3'
Protein context (NP_001346945.1, residues 368-388): EVRLQFHDVA[Gly378Ser]DIFHQQCKRN

ClinVar aggregate classification (germline): Conflicting classifications of pathogenicity. Review status: criteria provided, conflicting classifications (1 of 4 stars). 3 submissions from 3 submitters: Likely pathogenic (1); Uncertain significance (2). Last evaluated 2025-01-16.

Conditions:
Anemia, nonspherocytic hemolytic, due to G6PD deficiency (CNSHA1). Also called: Hemolytic anemia due to G6PD deficiency; Class I glucose-6-phosphate dehydrogenase deficiency; Favism, susceptibility to; ANEMIA, CONGENITAL, NONSPHEROCYTIC HEMOLYTIC, 1. Identifiers: Orphanet 466026, MedGen C2720289, MONDO:0010480, OMIM 300908.

Allele frequency attached by ClinVar (database versions not stated): TOPMed below 0.00001; gnomAD 0.00001; gnomAD exomes 0.00001; ExAC 0.00002; ESP Exome Variant Server 0.00009.
gnomAD v4.1: 12 of 1,210,896 alleles (0.00099%); highest among the groups gnomAD compares: Non-Finnish European, 0.0012%; no homozygotes.

Submissions (3):

GeneDx
Classification: Uncertain significance. Last evaluated: 2025-01-16. Review status: criteria provided, single submitter. Criteria: GeneDx Variant Classification Process June 2021. Collection method: clinical testing. Allele origin: germline. Affected: yes.
Comment: Not observed at significant frequency in large population cohorts (gnomAD); In silico analysis supports that this missense variant has a deleterious effect on protein structure/function; This variant is associated with the following publications: (PMID: 34551338, 31306666, 22293322, 22139979, 36681081)

Labcorp Genetics (formerly Invitae), Labcorp
Classification: Uncertain significance for Anemia, nonspherocytic hemolytic, due to G6PD deficiency. Last evaluated: 2023-10-22. Review status: criteria provided, single submitter. Criteria: Invitae Variant Classification Sherloc (09022015). Collection method: clinical testing. Allele origin: germline.
Comment: This sequence change replaces glycine, which is neutral and non-polar, with serine, which is neutral and polar, at codon 378 of the G6PD protein (p.Gly378Ser). This variant is present in population databases (rs371489738, gnomAD 0.003%). This missense change has been observed in individual(s) with glucose-6-phosphate dehydrogenase deficiency (PMID: 22139979). This variant is also known as G6PD Montpellier. ClinVar contains an entry for this variant (Variation ID: 1722614). Advanced modeling of protein sequence and biophysical properties (such as structural, functional, and spatial information, amino acid conservation, physicochemical variation, residue mobility, and thermodynamic stability) performed at Invitae indicates that this missense variant is expected to disrupt G6PD protein function. In summary, the available evidence is currently insufficient to determine the role of this variant in disease. Therefore, it has been classified as a Variant of Uncertain Significance.

Dunham Lab, University of Washington
Classification: Likely pathogenic for Anemia, nonspherocytic hemolytic, due to G6PD deficiency. Last evaluated: 2022-08-12. Review status: criteria provided, single submitter. Criteria: Bayesian ACMG Guidelines, 2018. Collection method: curation. Allele origin: unknown. Affected: yes.
Comment: Decreased activity in red blood cells (50%) (PS3).Below expected carrier frequency in gnomAD (PM2). Post_P 0.949 (odds of pathogenicity 168.4, Prior_P 0.1).

Literature cited by the submitters: PubMed 22139979 (cited by Labcorp Genetics (formerly Invitae), Labcorp and Dunham Lab, University of Washington).